The following is an entry in ClinVar:

NM_001267550.2(TTN):c.88830C>T (p.Ala29610=)

Genes: TTN (titin; minus strand), TTN-AS1 (TTN antisense RNA 1; plus strand). Cytogenetic location: 2q31.2.
Variant type: single nucleotide variant.
Coding change: c.88830C>T on transcript NM_001267550.2 (MANE Select); coding-DNA position 88830, C replaced by T.
Protein change: p.Ala29610=; no amino-acid change (alanine 29610 retained).
Molecular consequence: synonymous variant.
Genome position (GRCh38, 1-based): chr2:178,554,517, G>A on the plus strand (C>T on the coding strand, the complement: TTN is on the minus strand). VCF-style: chr2-178554517-G-A. GRCh37 (hg19) VCF-style: chr2-179419244-G-A.
Other names: c.83907C>T, p.Ala27969= (NM_001256850.1); c.61635C>T, p.Ala20545= (NM_003319.4); c.81126C>T, p.Ala27042= (NM_133378.4); c.62010C>T, p.Ala20670= (NM_133432.3); c.62211C>T, p.Ala20737= (NM_133437.4).
Identifiers: ClinVar variation 706239 (VCV000706239.12), dbSNP rs750893192, ClinGen allele CA1988067.

ClinVar aggregate classification (germline): Likely benign. Review status: criteria provided, multiple submitters, no conflicts (2 of 4 stars). 3 submissions from 3 submitters: Likely benign (3). Last evaluated 2025-12-17.

Conditions:
TTN-related disorder. Also called: TTN-related condition; TTN-related disease; TTN-related disorders.
Cardiovascular phenotype. Identifiers: MedGen CN230736.
Autosomal recessive limb-girdle muscular dystrophy type 2J (LGMDR10). Also called: Limb-girdle muscular dystrophy, type 2J; MUSCULAR DYSTROPHY, LIMB-GIRDLE, AUTOSOMAL RECESSIVE 10. Identifiers: Orphanet 140922, MedGen C1837342, MONDO:0012127, OMIM 608807.
Dilated cardiomyopathy 1G (CMD1G). Identifiers: Orphanet 154, MedGen C1858763, MONDO:0011400, OMIM 604145.

Allele frequency attached by ClinVar (database versions not stated): gnomAD 0.00001; gnomAD exomes 0.00001; ExAC 0.00002.
gnomAD v4.1: 5 of 1,613,302 alleles (0.00031%); highest among the groups gnomAD compares: South Asian, 0.0033%; no homozygotes.

Submissions (3):

PreventionGenetics, part of Exact Sciences
Classification: Likely benign for TTN-related condition. Last evaluated: 2025-12-17. Review status: criteria provided, single submitter. Criteria: ACMG Guidelines, 2015. Collection method: clinical testing. Allele origin: germline.
Comment: This variant is classified as likely benign based on ACMG/AMP sequence variant interpretation guidelines (Richards et al. 2015 PMID: 25741868, with internal and published modifications).

Labcorp Genetics (formerly Invitae), Labcorp
Classification: Likely benign for Dilated cardiomyopathy 1G; Autosomal recessive limb-girdle muscular dystrophy type 2J. Last evaluated: 2025-10-04. Review status: criteria provided, single submitter. Criteria: Invitae Variant Classification Sherloc (09022015). Collection method: clinical testing. Allele origin: germline.

Ambry Genetics
Classification: Likely benign for Cardiovascular phenotype. Last evaluated: 2020-12-30. Review status: criteria provided, single submitter. Criteria: Ambry Variant Classification Scheme 2023. Collection method: clinical testing. Allele origin: germline.